The following is an entry in ClinVar:

NM_152906.7(TANGO2):c.130A>T (p.Asn44Tyr)

Gene: TANGO2 (transport and golgi organization 2 homolog; plus strand). Cytogenetic location: 22q11.21.
Variant type: single nucleotide variant.
Coding change: c.130A>T on transcript NM_152906.7 (MANE Select); coding-DNA position 130, A replaced by T.
Protein change: p.Asn44Tyr; replaces asparagine 44 with tyrosine.
Molecular consequence: missense variant. On other transcripts: 5 prime UTR variant (12), non-coding transcript variant (5).
Genome position (GRCh38, 1-based): chr22:20,043,428, A>T. VCF-style: chr22-20043428-A-T. GRCh37 (hg19) VCF-style: chr22-20030951-A-T.
Other names: c.130A>T, p.Asn44Tyr (NM_001283106.3, NM_001283116.3, NM_001283148.3 and 10 more transcripts); c.253A>T, p.Asn85Tyr (NM_001283129.3, NM_001283215.3, NM_001322141.2 and 5 more transcripts); c.-50A>T (NM_001283235.3, NM_001322146.2, NM_001322148.2 and 9 more transcripts); short protein forms N85Y, N44Y.
Identifiers: ClinVar variation 2039448 (VCV002039448.1), dbSNP rs2044368553, ClinGen allele CA410693112.

ClinVar aggregate classification (germline): Uncertain significance (1 of 4 stars; one submission).

Submission:

Labcorp Genetics (formerly Invitae), Labcorp
Classification: Uncertain significance. Last evaluated: 2022-01-07. Review status: criteria provided, single submitter. Criteria: Invitae Variant Classification Sherloc (09022015). Collection method: clinical testing. Allele origin: germline.
Comment: This sequence change replaces asparagine, which is neutral and polar, with tyrosine, which is neutral and polar, at codon 44 of the TANGO2 protein (p.Asn44Tyr). This variant is not present in population databases (gnomAD no frequency). This variant has not been reported in the literature in individuals affected with TANGO2-related conditions. Algorithms developed to predict the effect of missense changes on protein structure and function are either unavailable or do not agree on the potential impact of this missense change (SIFT: "Not Available"; PolyPhen-2: "Possibly Damaging"; Align-GVGD: "Not Available"). In summary, the available evidence is currently insufficient to determine the role of this variant in disease. Therefore, it has been classified as a Variant of Uncertain Significance.